The following is an entry in ClinVar:

ClinVar aggregate classification (germline): Uncertain significance (1 of 4 stars; one submission).

Submission:

GeneDx
Classification: Uncertain significance. Last evaluated: 2025-05-21. Review status: criteria provided, single submitter. Criteria: GeneDx Variant Classification Process June 2021. Collection method: clinical testing. Allele origin: germline. Affected: yes.
Comment: Not observed at significant frequency in large population cohorts (gnomAD); In silico analysis supports that this missense variant has a deleterious effect on protein structure/function; Has not been previously published as pathogenic or benign to our knowledge

NM_000718.4(CACNA1B):c.284C>T (p.Pro95Leu)

Genes: CACNA1B (calcium voltage-gated channel subunit alpha1 B; plus strand), CACNA1B-AS2 (CACNA1B antisense RNA 2; minus strand). Cytogenetic location: 9q34.3.
Variant type: single nucleotide variant.
Coding change: c.284C>T on transcript NM_000718.4 (MANE Select); coding-DNA position 284, C replaced by T.
Protein change: p.Pro95Leu; replaces proline 95 with leucine.
Molecular consequence: missense variant.
Genome position (GRCh38, 1-based): chr9:137,878,217, C>T. VCF-style: chr9-137878217-C-T. GRCh37 (hg19) VCF-style: chr9-140772669-C-T.
Other names: c.284C>T, p.Pro95Leu (NM_001243812.2); short protein forms P95L.
Identifiers: ClinVar variation 4531077 (VCV004531077.1).